The following is an entry in ClinVar:

ClinVar aggregate classification (germline): Conflicting classifications of pathogenicity. Review status: criteria provided, conflicting classifications (1 of 4 stars). 7 submissions from 7 submitters: Uncertain significance (3); Likely benign (4). Last evaluated 2025-11-12.

Conditions:
TTN-related disorder. Also called: TTN-related disorders; TTN-related condition; TTN-related disease.
Dilated cardiomyopathy 1G (CMD1G). Identifiers: Orphanet 154, MedGen C1858763, MONDO:0011400, OMIM 604145.
Autosomal recessive limb-girdle muscular dystrophy type 2J (LGMDR10). Also called: Limb-girdle muscular dystrophy, type 2J; MUSCULAR DYSTROPHY, LIMB-GIRDLE, AUTOSOMAL RECESSIVE 10. Identifiers: Orphanet 140922, MedGen C1837342, MONDO:0012127, OMIM 608807.

Allele frequency attached by ClinVar (database versions not stated): gnomAD 0.00001 and 0.00006; TOPMed 0.00002; ESP Exome Variant Server 0.00008; ExAC 0.00029; 1000 Genomes Project 30x 0.00047; 1000 Genomes Project 0.00060.
gnomAD v4.1: 206 of 1,611,684 alleles (0.013%); highest among the groups gnomAD compares: South Asian, 0.2%; 1 homozygote.

Submissions (7):

Labcorp Genetics (formerly Invitae), Labcorp
Classification: Likely benign for Dilated cardiomyopathy 1G; Autosomal recessive limb-girdle muscular dystrophy type 2J. Last evaluated: 2025-11-12. Review status: criteria provided, single submitter. Criteria: Invitae Variant Classification Sherloc (09022015). Collection method: clinical testing. Allele origin: germline.

CeGaT Center for Human Genetics Tuebingen
Classification: Uncertain significance. Last evaluated: 2025-09-01. Review status: criteria provided, single submitter. Criteria: CeGaT Center For Human Genetics Tuebingen Variant Classification Criteria Version 2. Collection method: clinical testing. Allele origin: germline. Affected: yes. Observed: 1 variant allele.

PreventionGenetics, part of Exact Sciences
Classification: Likely benign for TTN-related condition. Last evaluated: 2025-03-25. Review status: criteria provided, single submitter. Criteria: ACMG Guidelines, 2015. Collection method: clinical testing. Allele origin: germline.
Comment: This variant is classified as likely benign based on ACMG/AMP sequence variant interpretation guidelines (Richards et al. 2015 PMID: 25741868, with internal and published modifications).

Revvity Omics, Revvity
Classification: Uncertain significance. Last evaluated: 2024-12-20. Review status: criteria provided, single submitter. Criteria: ACMG Guidelines, 2015. Collection method: clinical testing. Allele origin: germline.

Blueprint Genetics
Classification: Likely benign. Last evaluated: 2022-10-25. Review status: criteria provided, single submitter. Criteria: ACMG Guidelines, 2015. Collection method: clinical testing. Allele origin: germline.

GeneDx
Classification: Likely benign. Last evaluated: 2018-07-17. Review status: criteria provided, single submitter. Criteria: GeneDx Variant Classification Process June 2021. Collection method: clinical testing. Allele origin: germline. Affected: yes.

Laboratory for Molecular Medicine, Mass General Brigham Personalized Medicine
Classification: Uncertain significance. Last evaluated: 2014-03-19. Review status: criteria provided, single submitter. Criteria: LMM Criteria. Collection method: clinical testing. Allele origin: germline. Observed: 1 variant allele.
Comment: The Arg11451His variant in TTN has not been previously reported in individuals w ith cardiomyopathy, but has been identified in 1/8184 European American chromoso mes by the NHLBI Exome Sequencing Project. C omputational prediction tools and conservation analysis suggest that this varian t may impact the protein, though this information is not predictive enough to de termine pathogenicity. Additional information is needed to fully assess the clin ical significance of this variant.

NM_001267550.2(TTN):c.42056G>A (p.Arg14019His)

Gene: TTN (titin; minus strand). Cytogenetic location: 2q31.2.
Variant type: single nucleotide variant.
Coding change: c.42056G>A on transcript NM_001267550.2 (MANE Select); coding-DNA position 42056, G replaced by A.
Protein change: p.Arg14019His; replaces arginine 14019 with histidine.
Molecular consequence: missense variant.
Genome position (GRCh38, 1-based): chr2:178,634,818, C>T on the plus strand (G>A on the coding strand, the complement: TTN is on the minus strand). VCF-style: chr2-178634818-C-T. GRCh37 (hg19) VCF-style: chr2-179499545-C-T.
Other names: c.37133G>A, p.Arg12378His (NM_001256850.1); c.34352G>A, p.Arg11451His (NM_133378.4); c.14861G>A, p.Arg4954His (NM_003319.4); c.15236G>A, p.Arg5079His (NM_133432.3); c.15437G>A, p.Arg5146His (NM_133437.4); short protein forms R11451H, R14019H, R12378H, R5079H, R4954H, R5146H.
Identifiers: ClinVar variation 179051 (VCV000179051.27), dbSNP rs374683153, ClinGen allele CA183622.